The following is an entry in ClinVar:

ClinVar aggregate classification (germline): Uncertain significance (1 of 4 stars; one submission).

Conditions:
Microphthalmia, syndromic 1 (MCOPS1). Also called: ANOP1. Identifiers: Orphanet 568, Orphanet 85275, MedGen C0796016, MONDO:0010671, OMIM 309800.

Submission:

Dasa
Classification: Uncertain significance for microphthalmia, syndromic 1. Last evaluated: 2026-02-21. Review status: criteria provided, single submitter. Criteria: DASA Assertion Criteria. Collection method: clinical testing. Allele origin: germline.
Comment: NM_003491.4(NAA10):c.342-7C>G is a splice-region variant predicted to affect normal RNA splicing. This variant is rare in population databases. Computational prediction algorithms are consistent with a deleterious effect. The currently available literature and clinical evidence are not sufficient to establish a definitive association between this variant and the reported condition. Therefore, this variant is classified as a variant of uncertain significance.

NM_003491.4(NAA10):c.342-7C>G

Gene: NAA10 (N-alpha-acetyltransferase 10, NatA catalytic subunit; minus strand). Cytogenetic location: Xq28.
Variant type: single nucleotide variant.
Coding change: c.342-7C>G on transcript NM_003491.4 (MANE Select); 7 bases into the intron before coding-DNA position 342, C replaced by G.
Molecular consequence: intron variant.
Genome position (GRCh38, 1-based): chrX:153,932,122, G>C on the plus strand (C>G on the coding strand, the complement: NAA10 is on the minus strand). VCF-style: chrX-153932122-G-C. GRCh37 (hg19) VCF-style: chrX-153197575-G-C.
Other names: c.324-7C>G (NM_001256120.2); c.341+194C>G (NM_001256119.2).
Identifiers: ClinVar variation 4882397 (VCV004882397.2).
Genomic context (GRCh38, chrX:153,932,122, plus strand): 5'-TCTACTTACTGAAAGTTGAGGGTGTTGGAATAGAGGTGCAGGGCGGCCCGGTTACTGCAG[G>C]GGAACAAGGCACTGCTGAGCTGCACGGATTTGGCCAGGGAGGGGTAGCACGTCCAGGTCT-3'